The following is an entry in ClinVar:

ClinVar aggregate classification (germline): Uncertain significance. Review status: criteria provided, multiple submitters, no conflicts (2 of 4 stars). 2 submissions from 2 submitters: Uncertain significance (2). Last evaluated 2021-12-16.

Conditions:
Schimke immuno-osseous dysplasia (SIOD). Also called: Schimke Immunoosseous Dysplasia. Identifiers: Orphanet 1830, MedGen C0877024, MONDO:0009458, OMIM 242900.

gnomAD v4.1: 4 of 1,613,250 alleles (0.00025%); highest among the groups gnomAD compares: East Asian, 0.0089%; no homozygotes.

Submissions (2):

Fulgent Genetics
Classification: Uncertain significance for Schimke immuno-osseous dysplasia. Last evaluated: 2021-12-16. Review status: criteria provided, single submitter. Criteria: ACMG Guidelines, 2015. Collection method: clinical testing. Allele origin: unknown.

Labcorp Genetics (formerly Invitae), Labcorp
Classification: Uncertain significance for Schimke immuno-osseous dysplasia. Last evaluated: 2021-08-27. Review status: criteria provided, single submitter. Criteria: Invitae Variant Classification Sherloc (09022015). Collection method: clinical testing. Allele origin: germline.
Comment: This sequence change replaces glutamic acid with aspartic acid at codon 142 of the SMARCAL1 protein (p.Glu142Asp). The glutamic acid residue is weakly conserved and there is a small physicochemical difference between glutamic acid and aspartic acid. This variant is present in population databases (rs767158204, ExAC 0.02%). This variant has not been reported in the literature in individuals affected with SMARCAL1-related conditions. Algorithms developed to predict the effect of missense changes on protein structure and function (SIFT, PolyPhen-2, Align-GVGD) all suggest that this variant is likely to be tolerated. In summary, the available evidence is currently insufficient to determine the role of this variant in disease. Therefore, it has been classified as a Variant of Uncertain Significance.

NM_014140.4(SMARCAL1):c.426G>C (p.Glu142Asp)

Gene: SMARCAL1 (SNF2 related chromatin remodeling annealing helicase 1; plus strand). Cytogenetic location: 2q35.
Variant type: single nucleotide variant.
Coding change: c.426G>C on transcript NM_014140.4 (MANE Select); coding-DNA position 426, G replaced by C.
Protein change: p.Glu142Asp; replaces glutamic acid 142 with aspartic acid.
Molecular consequence: missense variant.
Genome position (GRCh38, 1-based): chr2:216,415,130, G>C. VCF-style: chr2-216415130-G-C. GRCh37 (hg19) VCF-style: chr2-217279853-G-C.
Other names: c.426G>C, p.Glu142Asp (NM_001127207.2); short protein forms E142D.
Identifiers: ClinVar variation 1397861 (VCV001397861.6), dbSNP rs767158204, ClinGen allele CA2097593.
Genomic context (GRCh38, chr2:216,415,130, plus strand): 5'-CTCTCCTCCCTTGGCACAAAGTCCTCCAGAGGTCCCTAAACAACAGCTCTTGAGTTATGA[G>C]TTAGGTCAAGGTCATGCTCAGGCTTCACCTGAGATCAGGTTCACACCCTTTGCTAACCCA-3'
Protein context (NP_054859.2, residues 132-152): EVPKQQLLSY[Glu142Asp]LGQGHAQASP